The following is an entry in ClinVar:

NM_020821.3(VPS13C):c.7861G>A (p.Val2621Ile)

Gene: VPS13C (vacuolar protein sorting 13 homolog C; minus strand). Cytogenetic location: 15q22.2.
Variant type: single nucleotide variant.
Coding change: c.7861G>A on transcript NM_020821.3 (MANE Select); coding-DNA position 7861, G replaced by A.
Protein change: p.Val2621Ile; replaces valine 2621 with isoleucine.
Molecular consequence: missense variant.
Genome position (GRCh38, 1-based): chr15:61,917,535, C>T on the plus strand (G>A on the coding strand, the complement: VPS13C is on the minus strand). VCF-style: chr15-61917535-C-T. GRCh37 (hg19) VCF-style: chr15-62209734-C-T.
Other names: c.7861G>A, p.Val2621Ile (NM_001018088.3); c.7732G>A, p.Val2578Ile (NM_017684.5, NM_018080.4); short protein forms V2578I, V2621I.
Identifiers: ClinVar variation 1636877 (VCV001636877.32), dbSNP rs114277501, ClinGen allele CA7595131.

ClinVar aggregate classification (germline): Benign. Review status: criteria provided, multiple submitters, no conflicts (2 of 4 stars). 2 submissions from 2 submitters: Benign (2). Last evaluated 2025-12-08.

Allele frequency attached by ClinVar (database versions not stated): gnomAD exomes 0.00022 and 0.00108; gnomAD 0.00035 and 0.00045; TOPMed 0.00058; ExAC 0.00095; 1000 Genomes Project 30x 0.00141; 1000 Genomes Project 0.00160.
gnomAD v4.1: 395 of 1,614,026 alleles (0.024%); highest among the groups gnomAD compares: East Asian, 0.77%; 5 homozygotes.

Submissions (2):

Labcorp Genetics (formerly Invitae), Labcorp
Classification: Benign. Last evaluated: 2025-12-08. Review status: criteria provided, single submitter. Criteria: Invitae Variant Classification Sherloc (09022015). Collection method: clinical testing. Allele origin: germline.

CeGaT Center for Human Genetics Tuebingen
Classification: Benign. Last evaluated: 2022-11-01. Review status: criteria provided, single submitter. Criteria: CeGaT Center For Human Genetics Tuebingen Variant Classification Criteria Version 2. Collection method: clinical testing. Allele origin: germline. Affected: yes. Observed: 1 variant allele.
Comment: VPS13C: BP4, BS1, BS2